The following is an entry in ClinVar:

ClinVar aggregate classification (germline): Uncertain significance. Review status: criteria provided, multiple submitters, no conflicts (2 of 4 stars). 2 submissions from 2 submitters: Uncertain significance (2). Last evaluated 2025-11-11.

Conditions:
Hereditary cancer-predisposing syndrome. Also called: Neoplastic Syndromes, Hereditary; Tumor predisposition; Hereditary Cancer Syndrome; Hereditary neoplastic syndrome. Identifiers: Orphanet 140162, MedGen C0027672, MeSH D009386, MONDO:0015356.
Gastrointestinal stromal tumor. Also called: Gastrointestinal stromal tumor, somatic; Gastrointestinal stroma tumor. Identifiers: Orphanet 44890, MedGen C0238198, MeSH D046152, MONDO:0011719, OMIM 606764, HP:0100723.

Submissions (2):

Ambry Genetics
Classification: Uncertain significance for Hereditary cancer-predisposing syndrome. Last evaluated: 2025-11-11. Review status: criteria provided, single submitter. Criteria: Ambry Variant Classification Scheme 2023. Collection method: clinical testing. Allele origin: germline.
Comment: The p.M260K variant (also known as c.779T>A), located in coding exon 5 of the PDGFRA gene, results from a T to A substitution at nucleotide position 779. The methionine at codon 260 is replaced by lysine, an amino acid with similar properties. This amino acid position is conserved. In addition, this alteration is predicted to be tolerated by in silico analysis. Since supporting evidence is limited at this time, the clinical significance of this alteration remains unclear.

Labcorp Genetics (formerly Invitae), Labcorp
Classification: Uncertain significance for Gastrointestinal stromal tumor. Last evaluated: 2025-10-26. Review status: criteria provided, single submitter. Criteria: Invitae Variant Classification Sherloc (09022015). Collection method: clinical testing. Allele origin: germline.
Comment: This sequence change replaces methionine, which is neutral and non-polar, with lysine, which is basic and polar, at codon 260 of the PDGFRA protein (p.Met260Lys). This variant is not present in population databases (gnomAD no frequency). This variant has not been reported in the literature in individuals affected with PDGFRA-related conditions. ClinVar contains an entry for this variant (Variation ID: 848528). Invitae Evidence Modeling of protein sequence and biophysical properties (such as structural, functional, and spatial information, amino acid conservation, physicochemical variation, residue mobility, and thermodynamic stability) indicates that this missense variant is not expected to disrupt PDGFRA protein function with a negative predictive value of 80%. In summary, the available evidence is currently insufficient to determine the role of this variant in disease. Therefore, it has been classified as a Variant of Uncertain Significance.

NM_006206.6(PDGFRA):c.779T>A (p.Met260Lys)

Gene: PDGFRA (platelet derived growth factor receptor alpha; plus strand). Cytogenetic location: 4q12.
Variant type: single nucleotide variant.
Coding change: c.779T>A on transcript NM_006206.6 (MANE Select); coding-DNA position 779, T replaced by A.
Protein change: p.Met260Lys; replaces methionine 260 with lysine.
Molecular consequence: missense variant.
Genome position (GRCh38, 1-based): chr4:54,267,308, T>A. VCF-style: chr4-54267308-T-A. GRCh37 (hg19) VCF-style: chr4-55133475-T-A.
Other names: c.779T>A, p.Met260Lys (NM_001347827.2, NM_001347829.2); c.854T>A, p.Met285Lys (NM_001347828.2); c.818T>A, p.Met273Lys (NM_001347830.2); short protein forms M285K, M260K, M273K.
Identifiers: ClinVar variation 848528 (VCV000848528.10), dbSNP rs1412240615, ClinGen allele CA356891091.
Genomic context (GRCh38, chr4:54,267,308, plus strand): 5'-CGAGCTTTTTAAAAGTCGGTTTTCTTCCCCTTTTGCTGTAGAAAGGCAAAGGCATCACAA[T>A]GCTGGAAGAAATCAAAGTCCCATCCATCAAATTGGTGTACACTTTGACGGTCCCCGAGGC-3'
Protein context (NP_006197.1, residues 250-270): PGEVKGKGIT[Met260Lys]LEEIKVPSIK